The following is an entry in ClinVar:

ClinVar aggregate classification (germline): Likely benign. Review status: criteria provided, single submitter (1 of 4 stars). 2 submissions from 2 submitters: Likely benign (1). 1 of the submissions does not count toward it. Last evaluated 2024-11-06.

Conditions:
OTOA-related disorder. Also called: OTOA-related condition.

Allele frequency attached by ClinVar (database versions not stated): ExAC 0.00002.
gnomAD v4.1: 121 of 1,600,072 alleles (0.0076%); highest among the groups gnomAD compares: Admixed American, 0.049%; 2 homozygotes.

Submissions (2):

Blueprint Genetics
Classification: Likely benign. Last evaluated: 2024-11-06. Review status: criteria provided, single submitter. Criteria: ACMG Guidelines, 2015. Collection method: clinical testing. Allele origin: germline.

PreventionGenetics, part of Exact Sciences
Classification: Likely benign for OTOA-related condition. Last evaluated: 2024-05-09. Review status: no assertion criteria provided. Collection method: clinical testing. Allele origin: germline. Not counted in ClinVar's aggregate classification.
Comment: This variant is classified as likely benign based on ACMG/AMP sequence variant interpretation guidelines (Richards et al. 2015 PMID: 25741868, with internal and published modifications).

NM_144672.4(OTOA):c.*12G>A

Gene: OTOA (otoancorin). Cytogenetic location: 16p12.2.
Variant type: single nucleotide variant.
Coding change: c.*12G>A on transcript NM_144672.4 (MANE Select); 12 bases downstream of the stop codon, G replaced by A.
Molecular consequence: 3 prime UTR variant.
Genome position (GRCh38, 1-based): chr16:21,760,552, G>A. VCF-style: chr16-21760552-G-A. GRCh37 (hg19) VCF-style: chr16-21771873-G-A.
Other names: c.*12G>A (NM_001161683.2, NM_170664.3).
Identifiers: ClinVar variation 3048077 (VCV003048077.3), dbSNP rs62045993, ClinGen allele CA7953085.
Genomic context (GRCh38, chr16:21,760,552, plus strand): 5'-TTGGCTTGGTTGTCCCCTGCTGGTTCTAATGGCCAAGCTCCTGTGGTGAGTGGCCTGAGC[G>A]CATCGTCCTGTGTTGCCCCAAGCAGCTGGCCAACATGTGTAGAGACAGGATGCTCCAGAT-3'